The following is an entry in ClinVar:

NM_014000.3(VCL):c.1594G>A (p.Val532Ile)

Gene: VCL (vinculin; plus strand). Cytogenetic location: 10q22.2.
Variant type: single nucleotide variant.
Coding change: c.1594G>A on transcript NM_014000.3 (MANE Select); coding-DNA position 1594, G replaced by A.
Protein change: p.Val532Ile; replaces valine 532 with isoleucine.
Molecular consequence: missense variant.
Genome position (GRCh38, 1-based): chr10:74,095,706, G>A. VCF-style: chr10-74095706-G-A. GRCh37 (hg19) VCF-style: chr10-75855464-G-A.
Other names: c.1594G>A, p.Val532Ile (NM_003373.4); short protein forms V532I.
Identifiers: ClinVar variation 1775988 (VCV001775988.2), dbSNP rs2549226298, ClinGen allele CA377274383.

ClinVar aggregate classification (germline): Uncertain significance (1 of 4 stars; one submission).

Conditions:
Cardiovascular phenotype. Identifiers: MedGen CN230736.

Submission:

Ambry Genetics
Classification: Uncertain significance for Cardiovascular phenotype. Last evaluated: 2019-11-19. Review status: criteria provided, single submitter. Criteria: Ambry Variant Classification Scheme 2023. Collection method: clinical testing. Allele origin: germline.
Comment: The p.V532I variant (also known as c.1594G>A), located in coding exon 12 of the VCL gene, results from a G to A substitution at nucleotide position 1594. The valine at codon 532 is replaced by isoleucine, an amino acid with highly similar properties. This amino acid position is well conserved in available vertebrate species. In addition, this alteration is predicted to be tolerated by in silico analysis. Since supporting evidence is limited at this time, the clinical significance of this alteration remains unclear.